The following is an entry in ClinVar:

ClinVar aggregate classification (germline): Likely pathogenic (1 of 4 stars; one submission).

Conditions:
Hereditary acrodermatitis enteropathica (AEZ). Also called: Acrodermatitis enteropathica. Identifiers: Orphanet 37, MedGen C0221036, MONDO:0008713, OMIM 201100.

Submission:

Natera, Inc.
Classification: Likely pathogenic for Acrodermatitis enteropathica. Last evaluated: 2024-10-18. Review status: criteria provided, single submitter. Criteria: Natera Variant Classification Schema (03/2026). Collection method: clinical testing. Allele origin: germline.
Comment: The c.295_310dup variant in SLC39A4 is a frameshift variant predicted to shift the reading frame beginning at codon 104 and leads to a stop codon 14 codons downstream. This variant is expected to result in nonsense mediated decay, truncation, or a dysfunctional protein product. This variant is rare in the general population with a frequency below the threshold expected for the associated phenotype(s). Given the available evidence, this variant is classified as Likely Pathogenic.

NM_130849.4(SLC39A4):c.295_310dup (p.Leu104fs)

Gene: SLC39A4 (solute carrier family 39 member 4; minus strand). Cytogenetic location: 8q24.3.
Variant type: Duplication.
Coding change: c.295_310dup on transcript NM_130849.4 (MANE Select); coding-DNA positions 295 to 310, 16 bases duplicated (GCCGCCGTCCTGTACC).
Protein change: p.Leu104fs; shifts the reading frame from leucine 104.
Molecular consequence: frameshift variant. On other transcripts: intron variant (1).
Genome position (GRCh38, 1-based): chr8:144,415,974-144,415,989, GGTACAGGACGGCGGC duplicated on the plus strand (GCCGCCGTCCTGTACC on the coding strand, the reverse complement: SLC39A4 is on the minus strand); duplicating any 16 consecutive bases within chr8:144,415,974-144,415,991 gives the same sequence; the c. name uses the placement nearest the transcript's 3' end. VCF-style (leftmost placement, unchanged base first): chr8-144415973-A-AGGTACAGGACGGCGGC. GRCh37 (hg19) VCF-style: chr8-145641357-A-AGGTACAGGACGGCGGC.
Other names: c.220_235dup, p.Leu79fs (NM_017767.3); c.193-570_193-555dup (NM_001374839.1); short protein forms L104fs, L79fs.
Identifiers: ClinVar variation 4816463 (VCV004816463.1).